The following is an entry in ClinVar:

NM_174936.4(PCSK9):c.782T>C (p.Val261Ala)

Gene: PCSK9 (proprotein convertase subtilisin/kexin type 9; plus strand). Cytogenetic location: 1p32.3.
Variant type: single nucleotide variant.
Coding change: c.782T>C on transcript NM_174936.4 (MANE Select); coding-DNA position 782, T replaced by C.
Protein change: p.Val261Ala; replaces valine 261 with alanine.
Molecular consequence: missense variant. On other transcripts: non-coding transcript variant (8).
Genome position (GRCh38, 1-based): chr1:55,052,774, T>C. VCF-style: chr1-55052774-T-C. GRCh37 (hg19) VCF-style: chr1-55518447-T-C.
Other names: c.782T>C, p.Val261Ala (NM_001407244.1, NM_001407247.1, NM_001407241.1); c.590T>C, p.Val197Ala (NM_001407245.1); c.407T>C, p.Val136Ala (NM_001407246.1); c.905T>C, p.Val302Ala (NM_001407240.1); c.785T>C, p.Val262Ala (NM_001407242.1); c.725T>C, p.Val242Ala (NM_001407243.1); short protein forms V197A, V136A, V302A, V242A, V262A, V261A.
Identifiers: ClinVar variation 2774042 (VCV002774042.3), dbSNP rs2523228424, ClinGen allele CA340474215.

ClinVar aggregate classification (germline): Uncertain significance. Review status: criteria provided, multiple submitters, no conflicts (2 of 4 stars). 2 submissions from 2 submitters: Uncertain significance (2). Last evaluated 2023-07-19.

Conditions:
Familial hypercholesterolemia. Also called: Familial hypercholesterolemias; Familial hypercholesterolaemia. Identifiers: MedGen C0020445, MONDO:0005439.
Hypercholesterolemia, autosomal dominant, 3 (FHCL3). Also called: Familial Hypercholesterolemia, Autosomal Dominant, 3; PCSK9-Related Familial Hypercholesterolemia, Autosomal Dominant; Familial hypercholesterolemia 3. Identifiers: MedGen C1863551, MONDO:0011369, OMIM 603776.

Allele frequency attached by ClinVar (database versions not stated): gnomAD exomes below 0.00001.

Submissions (2):

All of Us Research Program, National Institutes of Health
Classification: Uncertain significance for Hypercholesterolemia, autosomal dominant, 3. Last evaluated: 2023-07-19. Review status: criteria provided, single submitter. Criteria: ACMG Guidelines, 2015. Collection method: clinical testing. Allele origin: germline. Inheritance: Autosomal dominant inheritance. Observed: 1 variant allele, 1 heterozygote.
Comment: This missense variant replaces valine with alanine at codon 261 of the PCSK9 protein. Computational prediction is inconclusive regarding the impact of this variant on protein structure and function (internally defined REVEL score threshold 0.5 < inconclusive < 0.7, PMID: 27666373). To our knowledge, functional studies have not been reported for this variant. This variant has not been reported in individuals affected with PCSK9-related disorders in the literature. This variant has not been identified in the general population by the Genome Aggregation Database (gnomAD). The available evidence is insufficient to determine the role of this variant in disease conclusively. Therefore, this variant is classified as a Variant of Uncertain Significance.

This study involves interpretation of variants in research participants for the purpose of population health screening. Participant phenotype was not available at the time of variant classification. Additional details can be found in publication PMID: 35346344, PMCID: PMC8962531

Color Diagnostics, LLC DBA Color Health
Classification: Uncertain significance for Familial hypercholesterolemia. Last evaluated: 2023-05-17. Review status: criteria provided, single submitter. Criteria: ACMG Guidelines, 2015. Collection method: clinical testing. Allele origin: germline.
Comment: This missense variant replaces valine with alanine at codon 261 of the PCSK9 protein. Computational prediction is inconclusive regarding the impact of this variant on protein structure and function (internally defined REVEL score threshold 0.5 < inconclusive < 0.7, PMID: 27666373). To our knowledge, functional studies have not been reported for this variant. This variant has not been reported in individuals affected with PCSK9-related disorders in the literature. This variant has not been identified in the general population by the Genome Aggregation Database (gnomAD). The available evidence is insufficient to determine the role of this variant in disease conclusively. Therefore, this variant is classified as a Variant of Uncertain Significance.